The following is an entry in ClinVar:

ClinVar aggregate classification (germline): Uncertain significance (1 of 4 stars; one submission).

Conditions:
Epilepsy. Also called: Seizure disorder. Identifiers: MedGen C0014544, MeSH D004827, MONDO:0005027.

Allele frequency attached by ClinVar (database versions not stated): ESP Exome Variant Server 0.00008.
gnomAD v4.1: 1 of 1,603,630 alleles (0.000062%); highest among the groups gnomAD compares: Non-Finnish European, 0.000085%; no homozygotes.

Submission:

Labcorp Genetics (formerly Invitae), Labcorp
Classification: Uncertain significance for Epilepsy. Last evaluated: 2024-10-25. Review status: criteria provided, single submitter. Criteria: Invitae Variant Classification Sherloc (09022015). Collection method: clinical testing. Allele origin: germline.
Comment: This sequence change replaces threonine, which is neutral and polar, with serine, which is neutral and polar, at codon 168 of the PIGQ protein (p.Thr168Ser). This variant is present in population databases (rs372058981, gnomAD 0.001%). This variant has not been reported in the literature in individuals affected with PIGQ-related conditions. ClinVar contains an entry for this variant (Variation ID: 1442859). An algorithm developed to predict the effect of missense changes on protein structure and function (PolyPhen-2) suggests that this variant is likely to be disruptive. In summary, the available evidence is currently insufficient to determine the role of this variant in disease. Therefore, it has been classified as a Variant of Uncertain Significance.

NM_004204.5(PIGQ):c.502A>T (p.Thr168Ser)

Gene: PIGQ (phosphatidylinositol glycan anchor biosynthesis class Q; plus strand). Cytogenetic location: 16p13.3.
Variant type: single nucleotide variant.
Coding change: c.502A>T on transcript NM_004204.5 (MANE Select); coding-DNA position 502, A replaced by T.
Protein change: p.Thr168Ser; replaces threonine 168 with serine.
Molecular consequence: missense variant.
Genome position (GRCh38, 1-based): chr16:574,576, A>T. VCF-style: chr16-574576-A-T. GRCh37 (hg19) VCF-style: chr16-624576-A-T.
Other names: c.502A>T, p.Thr168Ser (NM_148920.4); short protein forms T168S.
Identifiers: ClinVar variation 1442859 (VCV001442859.8), dbSNP rs372058981, ClinGen allele CA7779890.
Genomic context (GRCh38, chr16:574,576, plus strand): 5'-CCCGACCGCCAGGCTGGAGCCACCACTGCCAGCACGGGGGGCCTGGCTGCCGTCTTCGAC[A>T]CGGTAGCACGCAGTGAGGTGCTCTTCCGCAGTGACCGCTTTGATGAGGGCCCCGTGCGGC-3'
Protein context (NP_004195.2, residues 158-178): STGGLAAVFD[Thr168Ser]VARSEVLFRS